The following is an entry in ClinVar:

NM_001374736.1(DST):c.2378T>C (p.Met793Thr)

Gene: DST (dystonin; minus strand). Cytogenetic location: 6p12.1.
Variant type: single nucleotide variant.
Coding change: c.2378T>C on transcript NM_001374736.1 (MANE Select); coding-DNA position 2378, T replaced by C.
Protein change: p.Met793Thr; replaces methionine 793 with threonine.
Molecular consequence: missense variant.
Genome position (GRCh38, 1-based): chr6:56,640,255, A>G on the plus strand (T>C on the coding strand, the complement: DST is on the minus strand). VCF-style: chr6-56640255-A-G. GRCh37 (hg19) VCF-style: chr6-56505053-A-G.
Other names: c.2279T>C, p.Met760Thr (NM_001144769.5); c.1865T>C, p.Met622Thr (NM_001144770.2); c.2378T>C, p.Met793Thr (NM_001374722.1); c.1745T>C, p.Met582Thr (NM_001374729.1, NM_001374730.1, NM_001386100.1 and 1 more transcripts); c.2405T>C, p.Met802Thr (NM_001374734.1); c.767T>C, p.Met256Thr (NM_001723.7, NM_015548.5); short protein forms M256T, M622T, M760T, M582T, M793T, M802T.
Identifiers: ClinVar variation 474554 (VCV000474554.7), dbSNP rs912256488, ClinGen allele CA139218375.

ClinVar aggregate classification (germline): Uncertain significance (1 of 4 stars; one submission).

Conditions:
Hereditary sensory and autonomic neuropathy type 6. Also called: HSAN VI; Neuropathy, hereditary sensory and autonomic, type VI. Identifiers: Orphanet 314381, MedGen C3539003, MONDO:0013839, OMIM 614653.
Epidermolysis bullosa simplex 3, localized or generalized intermediate, with BP230 deficiency (EBS3). Also called: Epidermolysis bullosa simplex, autosomal recessive 2; Epidermolysis bullosa simplex due to BP230 deficiency. Identifiers: Orphanet 412181, MedGen C3809470, MONDO:0014180, OMIM 615425.

Allele frequency attached by ClinVar (database versions not stated): gnomAD 0.00001; TOPMed 0.00002.
gnomAD v4.1: 8 of 1,614,076 alleles (0.0005%); highest among the groups gnomAD compares: Non-Finnish European, 0.00068%; no homozygotes.

Submission:

Labcorp Genetics (formerly Invitae), Labcorp
Classification: Uncertain significance for Epidermolysis bullosa simplex 3, localized or generalized intermediate, with BP230 deficiency; Hereditary sensory and autonomic neuropathy type 6. Last evaluated: 2022-10-25. Review status: criteria provided, single submitter. Criteria: Invitae Variant Classification Sherloc (09022015). Collection method: clinical testing. Allele origin: germline.
Comment: This sequence change replaces methionine, which is neutral and non-polar, with threonine, which is neutral and polar, at codon 256 of the DST protein (p.Met256Thr). This variant is not present in population databases (gnomAD no frequency). This variant has not been reported in the literature in individuals affected with DST-related conditions. ClinVar contains an entry for this variant (Variation ID: 474554). Algorithms developed to predict the effect of missense changes on protein structure and function are either unavailable or do not agree on the potential impact of this missense change (SIFT: "Deleterious"; PolyPhen-2: "Benign"; Align-GVGD: "Class C65"). In summary, the available evidence is currently insufficient to determine the role of this variant in disease. Therefore, it has been classified as a Variant of Uncertain Significance.